The following is an entry in ClinVar:

NM_001348768.2(HECW2):c.2220G>C (p.Arg740Ser)

Gene: HECW2 (HECT, C2 and WW domain containing E3 ubiquitin protein ligase 2; minus strand). Cytogenetic location: 2q32.3.
Variant type: single nucleotide variant.
Coding change: c.2220G>C on transcript NM_001348768.2 (MANE Select); coding-DNA position 2220, G replaced by C.
Protein change: p.Arg740Ser; replaces arginine 740 with serine.
Molecular consequence: missense variant.
Genome position (GRCh38, 1-based): chr2:196,318,670, C>G on the plus strand (G>C on the coding strand, the complement: HECW2 is on the minus strand). VCF-style: chr2-196318670-C-G. GRCh37 (hg19) VCF-style: chr2-197183394-C-G.
Other names: c.1152G>C, p.Arg384Ser (NM_001304840.3); c.2220G>C, p.Arg740Ser (NM_020760.4); c.2220G>C (NM_020760.1); short protein forms R384S, R740S.
Identifiers: ClinVar variation 728465 (VCV000728465.36), dbSNP rs202205403, ClinGen allele CA2038165.
Genomic context (GRCh38, chr2:196,318,670, plus strand): 5'-AGCACTGCCTTCTTCTTGCGGTGGGCTCTCGGCAGCAGCTGCAGCTCCCTCCAGGCTCCC[C>G]CTCCGCTGCCAGACCTCCCCCAGCTCCTCCTGGTCAGGTACAGTGGCCGATTCTGCCCCT-3'
Protein context (NP_001335697.1, residues 730-750): QEELGEVWQR[Arg740Ser]GSLEGAAAAA

ClinVar aggregate classification (germline): Benign/Likely benign. Review status: criteria provided, multiple submitters, no conflicts (2 of 4 stars). 4 submissions from 4 submitters: Benign (2); Likely benign (2). Last evaluated 2025-06-30.

Conditions:
Inborn genetic diseases. Identifiers: MedGen C0950123, MeSH D030342.

Allele frequency attached by ClinVar (database versions not stated): gnomAD 0.00096; 1000 Genomes Project 0.00100; gnomAD exomes 0.00118; ExAC 0.00120; ESP Exome Variant Server 0.00038; TOPMed 0.00043; 1000 Genomes Project 30x 0.00094.
gnomAD v4.1: 1,288 of 1,600,328 alleles (0.08%); highest among the groups gnomAD compares: Non-Finnish European, 0.076%; 9 homozygotes.

Submissions (4):

Ambry Genetics
Classification: Likely benign for Inborn genetic diseases. Last evaluated: 2025-06-30. Review status: criteria provided, single submitter. Criteria: Ambry Variant Classification Scheme 2023. Collection method: clinical testing. Allele origin: germline.

CeGaT Center for Human Genetics Tuebingen
Classification: Likely benign. Last evaluated: 2023-06-01. Review status: criteria provided, single submitter. Criteria: CeGaT Center For Human Genetics Tuebingen Variant Classification Criteria Version 2. Collection method: clinical testing. Allele origin: germline. Affected: yes. Observed: 4 variant alleles.
Comment: HECW2: BS1

Labcorp Genetics (formerly Invitae), Labcorp
Classification: Benign. Last evaluated: 2019-02-26. Review status: criteria provided, single submitter. Criteria: Invitae Variant Classification Sherloc (09022015). Collection method: clinical testing. Allele origin: germline.

Breakthrough Genomics
Classification: Benign. Review status: criteria provided, single submitter. Criteria: ACMG Guidelines, 2015. Collection method: not provided. Allele origin: germline. Inheritance: Autosomal dominant inheritance. Affected: yes.